The following is an entry in ClinVar:

NC_000006.11:g.(?_65596570)_(65622656_?)del

Gene: EYS (eyes shut homolog; minus strand). Cytogenetic location: 6q12.
Variant type: Deletion.
Identifiers: ClinVar variation 2423837 (VCV002423837.3).

ClinVar aggregate classification (germline): Pathogenic (1 of 4 stars; one submission).

Submission:

Labcorp Genetics (formerly Invitae), Labcorp
Classification: Pathogenic. Last evaluated: 2023-11-21. Review status: criteria provided, single submitter. Criteria: Invitae Variant Classification Sherloc (09022015). Collection method: clinical testing. Allele origin: germline.
Comment: This variant is a gross deletion of the genomic region encompassing exon(s) 16-19 of the EYS gene. This deletion is out-of-frame, and is expected to create a premature termination codon and result in an absent or disrupted protein product. Loss-of-function variants in EYS are known to be pathogenic (PMID: 18836446, 20333770). A similar copy number variant has been observed in individual(s) with autosomal recessive retinitis pigmentosa (PMID: 21519034). For these reasons, this variant has been classified as Pathogenic.

Literature cited by the submitters: PubMed 18836446; PubMed 20333770; PubMed 21519034.